The following is an entry in ClinVar:

NM_032756.4(HPDL):c.569C>T (p.Pro190Leu)

Gene: HPDL (4-hydroxyphenylpyruvate dioxygenase like; plus strand). Cytogenetic location: 1p34.1.
Variant type: single nucleotide variant.
Coding change: c.569C>T on transcript NM_032756.4 (MANE Select); coding-DNA position 569, C replaced by T.
Protein change: p.Pro190Leu; replaces proline 190 with leucine.
Molecular consequence: missense variant.
Genome position (GRCh38, 1-based): chr1:45,327,717, C>T. VCF-style: chr1-45327717-C-T. GRCh37 (hg19) VCF-style: chr1-45793389-C-T.
Other names: short protein forms P190L.
Identifiers: ClinVar variation 1320816 (VCV001320816.31), dbSNP rs368625962, ClinGen allele CA826270.
Genomic context (GRCh38, chr1:45,327,717, plus strand): 5'-CCGGCAGCTCCCCCACACTTTTGCGCTGGTTCCACGACTGCCTGGGCTTTTGCCACTTGC[C>T]GCTGAGCCCAGGTGAGGATCCCGAGCTGGGCCTCGAAATGACAGCAGGGTTTGGGCTTGG-3'
Protein context (NP_116145.1, residues 180-200): FHDCLGFCHL[Pro190Leu]LSPGEDPELG

ClinVar aggregate classification (germline): Conflicting classifications of pathogenicity. Review status: criteria provided, conflicting classifications (1 of 4 stars). 3 submissions from 3 submitters: Likely pathogenic (1); Uncertain significance (1). 1 of the submissions does not count toward it. Last evaluated 2024-07-01.

Conditions:
Spastic paraplegia. Identifiers: MedGen C0037772, HP:0001258.

Allele frequency attached by ClinVar (database versions not stated): TOPMed below 0.00001; ExAC 0.00001; ESP Exome Variant Server 0.00008.

Submissions (3):

CeGaT Center for Human Genetics Tuebingen
Classification: Likely pathogenic. Last evaluated: 2024-07-01. Review status: criteria provided, single submitter. Criteria: CeGaT Center For Human Genetics Tuebingen Variant Classification Criteria Version 2. Collection method: clinical testing. Allele origin: germline. Affected: yes. Observed: 3 variant alleles.
Comment: HPDL: PM3:Strong, PM2, PP4, BP4

GeneDx
Classification: Uncertain significance. Last evaluated: 2020-09-28. Review status: criteria provided, single submitter. Criteria: GeneDx Variant Classification Process June 2021. Collection method: clinical testing. Allele origin: germline. Affected: yes.
Comment: Not observed at a significant frequency in large population cohorts (Lek et al., 2016); In silico analysis, which includes protein predictors and evolutionary conservation, supports that this variant does not alter protein structure/function; Has not been previously published as pathogenic or benign to our knowledge

Yale Center for Mendelian Genomics, Yale University
Classification: Likely pathogenic for Spastic paraplegia. Last evaluated: 2021-05-10. Review status: no assertion criteria provided. Collection method: literature only. Allele origin: germline. Affected: yes. Observed: 1 compound heterozygote. Study: Yale Center for Mendelian Genomics. Not counted in ClinVar's aggregate classification.

Literature cited by the submitters: PubMed 33970200 (cited by Yale Center for Mendelian Genomics, Yale University).